The following is an entry in ClinVar:

NM_000368.5(TSC1):c.3289C>T (p.Arg1097Cys)

Gene: TSC1 (TSC complex subunit 1; minus strand). Cytogenetic location: 9q34.13.
Variant type: single nucleotide variant.
Coding change: c.3289C>T on transcript NM_000368.5 (MANE Select); coding-DNA position 3289, C replaced by T.
Protein change: p.Arg1097Cys; replaces arginine 1097 with cysteine.
Molecular consequence: missense variant.
Genome position (GRCh38, 1-based): chr9:132,896,441, G>A on the plus strand (C>T on the coding strand, the complement: TSC1 is on the minus strand). VCF-style: chr9-132896441-G-A. GRCh37 (hg19) VCF-style: chr9-135771828-G-A.
Other names: p.R1097C:CGT>TGT; p.Arg1097Cys; c.3286C>T, p.Arg1096Cys (NM_001162426.2); c.3136C>T, p.Arg1046Cys (NM_001162427.2); c.2926C>T, p.Arg976Cys (NM_001362177.2); short protein forms R1097C, R1096C, R1046C, R976C.
Identifiers: ClinVar variation 207644 (VCV000207644.26), dbSNP rs779599439, ClinGen allele CA036377.

ClinVar aggregate classification (germline): Conflicting classifications of pathogenicity. Review status: criteria provided, conflicting classifications (1 of 4 stars). 9 submissions from 9 submitters: Uncertain significance (6); Likely benign (3). Last evaluated 2026-02-20.

Conditions:
Hereditary cancer-predisposing syndrome. Also called: Neoplastic Syndromes, Hereditary; Hereditary Cancer Syndrome; Tumor predisposition; Hereditary neoplastic syndrome. Identifiers: Orphanet 140162, MedGen C0027672, MeSH D009386, MONDO:0015356.
Tuberous sclerosis syndrome (TSC). Also called: Tuberous Sclerosis Complex; Tuberous sclerosis. Identifiers: Orphanet 805, MedGen C0041341, MONDO:0001734.
Tuberous sclerosis 1 (TSC1). Identifiers: Orphanet 805, MedGen C1854465, MONDO:0008612, OMIM 191100.

Allele frequency attached by ClinVar (database versions not stated): ExAC 0.00001; gnomAD 0.00001; gnomAD exomes 0.00001; TOPMed 0.00001.
gnomAD v4.1: 13 of 1,614,056 alleles (0.00081%); highest among the groups gnomAD compares: South Asian, 0.0055%; no homozygotes.

Submissions (9):

St. Jude Molecular Pathology, St. Jude Children's Research Hospital
Classification: Uncertain significance for Tuberous sclerosis 1. Last evaluated: 2026-02-20. Review status: criteria provided, single submitter. Criteria: St. Jude Assertion Criteria 2020. Collection method: clinical testing. Allele origin: germline.
Comment: The TSC1 c.3289C>T p.(Arg1097Cys) missense change has a maximum subpopulation frequency of 0.008% in gnomAD v2.1.1. The in silico tool REVEL predicts a deleterious effect on protein function, but to our knowledge this prediction has not been confirmed by functional studies. This variant has been reported in an individual with clinically suspected tuberous sclerosis complex (PMID: 32917966). In summary, the evidence currently available is insufficient to determine the clinical significance of this variant. It has therefore been classified as of uncertain significance.

Labcorp Genetics (formerly Invitae), Labcorp
Classification: Likely benign for Tuberous sclerosis 1. Last evaluated: 2026-01-19. Review status: criteria provided, single submitter. Criteria: Invitae Variant Classification Sherloc (09022015). Collection method: clinical testing. Allele origin: germline.

Mayo Clinic Laboratories, Mayo Clinic
Classification: Uncertain significance. Last evaluated: 2025-10-09. Review status: criteria provided, single submitter. Criteria: ACMG Guidelines, 2015. Collection method: clinical testing. Allele origin: germline. Observed: 1 variant allele.
Comment: PP3

Color Diagnostics, LLC DBA Color Health
Classification: Uncertain significance for Tuberous sclerosis syndrome. Last evaluated: 2025-05-27. Review status: criteria provided, single submitter. Criteria: ACMG Guidelines, 2015. Collection method: clinical testing. Allele origin: germline.
Comment: This missense variant replaces arginine with cysteine at codon 1097 of the TSC1 protein. Computational prediction suggests that this variant may have deleterious impact on protein structure and function. To our knowledge, functional studies have not been reported for this variant. This variant has been reported in an individual with suspected tuberous sclerosis complex (PMID: 32917966). This variant has been identified in 4/282846 chromosomes in the general population by the Genome Aggregation Database (gnomAD). The available evidence is insufficient to determine the role of this variant in disease conclusively. Therefore, this variant is classified as a Variant of Uncertain Significance.

Blueprint Genetics
Classification: Uncertain significance. Last evaluated: 2023-12-29. Review status: criteria provided, single submitter. Criteria: ACMG Guidelines, 2015. Collection method: clinical testing. Allele origin: germline.

All of Us Research Program, National Institutes of Health
Classification: Uncertain significance for Tuberous sclerosis syndrome. Last evaluated: 2023-12-13. Review status: criteria provided, single submitter. Criteria: ACMG Guidelines, 2015. Collection method: clinical testing. Allele origin: germline. Inheritance: Autosomal dominant inheritance. Observed: 4 variant alleles, 4 heterozygotes.
Comment: This missense variant replaces arginine with cysteine at codon 1097 of the TSC1 protein. Computational prediction suggests that this variant may have deleterious impact on protein structure and function (internally defined REVEL score threshold >= 0.7, PMID: 27666373). To our knowledge, functional studies have not been reported for this variant. This variant has been reported in an individual clinically suspected of tuberous sclerosis complex (PMID: 32917966). This variant has been identified in 4/282846 chromosomes in the general population by the Genome Aggregation Database (gnomAD). The available evidence is insufficient to determine the role of this variant in disease conclusively. Therefore, this variant is classified as a Variant of Uncertain Significance.

This study involves interpretation of variants in research participants for the purpose of population health screening. Participant phenotype was not available at the time of variant classification. Additional details can be found in publication PMID: 35346344, PMCID: PMC8962531

Ambry Genetics
Classification: Uncertain significance for Hereditary cancer-predisposing syndrome. Last evaluated: 2023-12-07. Review status: criteria provided, single submitter. Criteria: Ambry Variant Classification Scheme 2023. Collection method: clinical testing. Allele origin: germline.
Comment: The p.R1097C variant (also known as c.3289C>T), located in coding exon 21 of the TSC1 gene, results from a C to T substitution at nucleotide position 3289. The arginine at codon 1097 is replaced by cysteine, an amino acid with highly dissimilar properties. This variant was detected in 1/347 Chinese patients with clinically suspected tuberous sclerosis complex (TSC) and called a variant of uncertain significance by the authors (Meng Y et al. J Hum Genet, 2021 Mar;66:227-236). This amino acid position is highly conserved in available vertebrate species. In addition, this alteration is predicted to be deleterious by in silico analysis. Since supporting evidence is limited at this time, the clinical significance of this alteration remains unclear.

Genome-Nilou Lab
Classification: Likely benign for Tuberous sclerosis 1. Last evaluated: 2021-11-07. Review status: criteria provided, single submitter. Criteria: ACMG Guidelines, 2015. Collection method: clinical testing. Allele origin: germline. Affected: no.

GeneDx
Classification: Likely benign. Last evaluated: 2021-03-04. Review status: criteria provided, single submitter. Criteria: GeneDx Variant Classification Process June 2021. Collection method: clinical testing. Allele origin: germline. Affected: yes.
Comment: In silico analysis supports that this missense variant has a deleterious effect on protein structure/function; Has not been previously published as pathogenic or benign to our knowledge

Literature cited by the submitters: PubMed 32917966 (cited by 4 submitters).